The following is an entry in ClinVar:

ClinVar aggregate classification (germline): Uncertain significance (1 of 4 stars; one submission).

Submission:

Labcorp Genetics (formerly Invitae), Labcorp
Classification: Uncertain significance. Last evaluated: 2022-04-11. Review status: criteria provided, single submitter. Criteria: Invitae Variant Classification Sherloc (09022015). Collection method: clinical testing. Allele origin: germline.
Comment: In summary, the available evidence is currently insufficient to determine the role of this variant in disease. Therefore, it has been classified as a Variant of Uncertain Significance. Experimental studies and prediction algorithms are not available or were not evaluated, and the functional significance of this variant is currently unknown. This variant has not been reported in the literature in individuals affected with NR2E3-related conditions. This variant is not present in population databases (gnomAD no frequency). This sequence change replaces glutamic acid, which is acidic and polar, with alanine, which is neutral and non-polar, at codon 384 of the NR2E3 protein (p.Glu384Ala).

NM_014249.4(NR2E3):c.1151A>C (p.Glu384Ala)

Gene: NR2E3 (nuclear receptor subfamily 2 group E member 3; plus strand). Cytogenetic location: 15q23.
Variant type: single nucleotide variant.
Coding change: c.1151A>C on transcript NM_014249.4 (MANE Select); coding-DNA position 1151, A replaced by C.
Protein change: p.Glu384Ala; replaces glutamic acid 384 with alanine.
Molecular consequence: missense variant.
Genome position (GRCh38, 1-based): chr15:71,817,602, A>C. VCF-style: chr15-71817602-A-C. GRCh37 (hg19) VCF-style: chr15-72109943-A-C.
Other names: short protein forms E384A.
Identifiers: ClinVar variation 2124634 (VCV002124634.4), dbSNP rs2543260912, ClinGen allele CA393041348.
Genomic context (GRCh38, chr15:71,817,602, plus strand): 5'-TCCTGTTCAGGTTTGGGAAATTGCTCCTGCTCCTCCCGTCTTTGAGGTTTATCACTGCGG[A>C]ACGCATCGAGCTCCTCTTTTTCCGCAAGACCATAGGGAATACTCCAATGGAGAAGCTCCT-3'
Protein context (NP_055064.1, residues 374-394): LLPSLRFITA[Glu384Ala]RIELLFFRKT